The following is an entry in ClinVar:

ClinVar aggregate classification (germline): Uncertain significance. Review status: criteria provided, multiple submitters, no conflicts (2 of 4 stars). 2 submissions from 2 submitters: Uncertain significance (2). Last evaluated 2025-06-17.

Conditions:
Malignant hyperthermia, susceptibility to, 1 (MHS1). Also called: RYR1-Related Malignant Hyperthermia Susceptibility; Malignant hyperthermia suceptibility 1; Anesthesia related hyperthermia; Malignant hyperpyrexia; Fulminating hyperpyrexia; Pharmacogenic myopathy. Identifiers: Orphanet 423, MedGen C2930980, MONDO:0007783, OMIM 145600.
RYR1-related disorder. Also called: RYR1-related disorders; RYR1-related condition. Identifiers: MedGen CN239331.

Submissions (2):

Color Diagnostics, LLC DBA Color Health
Classification: Uncertain significance for Malignant hyperthermia, susceptibility to, 1. Last evaluated: 2025-06-17. Review status: criteria provided, single submitter. Criteria: ACMG Guidelines, 2015. Collection method: clinical testing. Allele origin: germline.
Comment: This missense variant replaces asparagine with serine at codon 1428 of the RYR1 protein. Computational prediction suggests that this variant may not impact protein structure and function. To our knowledge, functional studies have not been reported for this variant. This variant has not been reported in individuals affected with RYR1-related disorders in the literature. This variant has not been identified in the general population by the Genome Aggregation Database (gnomAD). The available evidence is insufficient to determine the role of this variant in disease conclusively. Therefore, this variant is classified as a Variant of Uncertain Significance.

Labcorp Genetics (formerly Invitae), Labcorp
Classification: Uncertain significance for RYR1-related disorder. Last evaluated: 2022-10-08. Review status: criteria provided, single submitter. Criteria: Invitae Variant Classification Sherloc (09022015). Collection method: clinical testing. Allele origin: germline.
Comment: This variant is not present in population databases (gnomAD no frequency). In summary, the available evidence is currently insufficient to determine the role of this variant in disease. Therefore, it has been classified as a Variant of Uncertain Significance. Advanced modeling of protein sequence and biophysical properties (such as structural, functional, and spatial information, amino acid conservation, physicochemical variation, residue mobility, and thermodynamic stability) performed at Invitae indicates that this missense variant is not expected to disrupt RYR1 protein function. This variant has not been reported in the literature in individuals affected with RYR1-related conditions. This sequence change replaces asparagine, which is neutral and polar, with serine, which is neutral and polar, at codon 1428 of the RYR1 protein (p.Asn1428Ser).

NM_000540.3(RYR1):c.4283A>G (p.Asn1428Ser)

Gene: RYR1 (ryanodine receptor 1; plus strand). Cytogenetic location: 19q13.2.
Variant type: single nucleotide variant.
Coding change: c.4283A>G on transcript NM_000540.3 (MANE Select); coding-DNA position 4283, A replaced by G.
Protein change: p.Asn1428Ser; replaces asparagine 1428 with serine.
Molecular consequence: missense variant.
Genome position (GRCh38, 1-based): chr19:38,475,440, A>G. VCF-style: chr19-38475440-A-G. GRCh37 (hg19) VCF-style: chr19-38966080-A-G.
Other names: c.4283A>G, p.Asn1428Ser (NM_001042723.2); short protein forms N1428S.
Identifiers: ClinVar variation 1922028 (VCV001922028.4), dbSNP rs2514164504, ClinGen allele CA405644715.